The following is an entry in ClinVar:

NM_020987.5(ANK3):c.4454C>T (p.Thr1485Ile)

Gene: ANK3 (ankyrin 3; minus strand). Cytogenetic location: 10q21.2.
Variant type: single nucleotide variant.
Coding change: c.4454C>T on transcript NM_020987.5 (MANE Select); coding-DNA position 4454, C replaced by T.
Protein change: p.Thr1485Ile; replaces threonine 1485 with isoleucine.
Molecular consequence: missense variant. On other transcripts: intron variant (4).
Genome position (GRCh38, 1-based): chr10:60,076,427, G>A on the plus strand (C>T on the coding strand, the complement: ANK3 is on the minus strand). VCF-style: chr10-60076427-G-A. GRCh37 (hg19) VCF-style: chr10-61836185-G-A.
Other names: c.4387+4110C>T (NM_001204403.2); c.4408+4110C>T (NM_001204404.2); c.4405+4110C>T (NM_001320874.2); c.1807+4110C>T (NM_001149.4); short protein forms T1485I.
Identifiers: ClinVar variation 3392677 (VCV003392677.1).

ClinVar aggregate classification (germline): Uncertain significance (1 of 4 stars; one submission).

gnomAD v4.1: 5 of 1,610,036 alleles (0.00031%); highest among the groups gnomAD compares: Non-Finnish European, 0.00042%; no homozygotes.

Submission:

GeneDx
Classification: Uncertain significance. Last evaluated: 2024-06-26. Review status: criteria provided, single submitter. Criteria: GeneDx Variant Classification Process June 2021. Collection method: clinical testing. Allele origin: germline. Affected: yes.
Comment: Not observed at significant frequency in large population cohorts (gnomAD); In silico analysis indicates that this missense variant does not alter protein structure/function; Has not been previously published as pathogenic or benign to our knowledge